The following is an entry in ClinVar:

NM_000051.4(ATM):c.4358del (p.Ile1453fs)

Gene: ATM (ATM serine/threonine kinase; plus strand). Cytogenetic location: 11q22.3.
Variant type: Deletion.
Coding change: c.4358del on transcript NM_000051.4 (MANE Select); coding-DNA position 4358, one base deleted (T; older notation c.4358delT).
Protein change: p.Ile1453fs; shifts the reading frame from isoleucine 1453.
Molecular consequence: frameshift variant.
Genome position (GRCh38, 1-based): chr11:108,289,723, T deleted. VCF-style (leftmost placement, unchanged base first): chr11-108289722-AT-A. GRCh37 (hg19) VCF-style: chr11-108160449-AT-A.
Other names: c.4358del, p.Ile1453fs (NM_001351834.2); short protein forms I1453fs.
Identifiers: ClinVar variation 1339761 (VCV001339761.2), dbSNP rs2082679287, ClinGen allele CA1998785446.

ClinVar aggregate classification (germline): Pathogenic/Likely pathogenic. Review status: criteria provided, multiple submitters, no conflicts (2 of 4 stars). 3 submissions from 3 submitters: Pathogenic (2); Likely pathogenic (1). Last evaluated 2024-01-24.

Conditions:
Hereditary cancer-predisposing syndrome. Also called: Hereditary Cancer Syndrome; Neoplastic Syndromes, Hereditary; Tumor predisposition; Hereditary neoplastic syndrome. Identifiers: Orphanet 140162, MedGen C0027672, MeSH D009386, MONDO:0015356.
Ataxia-telangiectasia syndrome (AT). Also called: Ataxia-telangiectasia, complementation group D; ATAXIA-TELANGIECTASIA, COMPLEMENTATION GROUP A; ATAXIA-TELANGIECTASIA, FRESNO VARIANT; Ataxia-telangiectasia, complementation group E; Cerebello-oculocutaneous telangiectasia; Immunodeficiency with ataxia telangiectasia. Identifiers: Orphanet 100, MedGen C0004135, MONDO:0008840, OMIM 208900.
Familial cancer of breast. Also called: BREAST CANCER, FAMILIAL; hereditary breast carcinoma; Hereditary breast cancer. Identifiers: Orphanet 227535, MedGen C0346153, MONDO:0016419, OMIM 114480. Disease mechanism: loss of function.

Allele frequency attached by ClinVar (database versions not stated): TOPMed below 0.00001.

Submissions (3):

Myriad Genetics, Inc.
Classification: Pathogenic for Familial cancer of breast. Last evaluated: 2024-01-24. Review status: criteria provided, single submitter. Criteria: Myriad Autosomal Dominant, Autosomal Recessive and X-Linked Classification Criteria (2023). Collection method: clinical testing. Allele origin: unknown.
Comment: This variant is considered pathogenic. This variant creates a frameshift predicted to result in premature protein truncation.

Ambry Genetics
Classification: Pathogenic for Hereditary cancer-predisposing syndrome. Last evaluated: 2024-01-05. Review status: criteria provided, single submitter. Criteria: Ambry Variant Classification Scheme 2023. Collection method: clinical testing. Allele origin: germline.
Comment: The c.4358delT pathogenic mutation, located in coding exon 28 of the ATM gene, results from a deletion of one nucleotide at nucleotide position 4358, causing a translational frameshift with a predicted alternate stop codon (p.I1453Kfs*5). This variant is considered to be rare based on population cohorts in the Genome Aggregation Database (gnomAD). This alteration is expected to result in loss of function by premature protein truncation or nonsense-mediated mRNA decay. As such, this alteration is interpreted as a disease-causing mutation.

Women's Health and Genetics/Laboratory Corporation of America, LabCorp
Classification: Likely pathogenic for Ataxia-telangiectasia syndrome. Last evaluated: 2022-01-05. Review status: criteria provided, single submitter. Criteria: LabCorp Variant Classification Summary - May 2015. Collection method: clinical testing. Allele origin: germline.
Comment: Variant summary: ATM c.4358delT (p.Ile1453LysfsX5) results in a premature termination codon, predicted to cause a truncation of the encoded protein or absence of the protein due to nonsense mediated decay, which are commonly known mechanisms for disease. Truncations downstream of this position have been classified as pathogenic by our laboratory and in the HGMD database with an associated phenotype of Ataxia Telangiectasia and/or cancers. The variant was absent in 251162 control chromosomes (gnomAD). To our knowledge, c.4358delT has not been reported in in individuals affected with Ataxia Telangiectasia, but has been reported in at least one individual affected with breast cancer (example, Palmer_2020) and in the isolated tumor tissue from a patient affected with head and neck squamous cell cancer (example, Ma-2016). To our knowledge, no experimental evidence demonstrating an impact on protein function has been reported. No clinical diagnostic laboratories have submitted clinical-significance assessments for this variant to ClinVar after 2014. Based on the evidence outlined above, the variant was classified as likely pathogenic for Ataxia Telangiectasia and associated cancer susceptibility.

Literature cited by the submitters: PubMed 32427313 (cited by Women's Health and Genetics/Laboratory Corporation of America, LabCorp); PubMed 28055970 (cited by Women's Health and Genetics/Laboratory Corporation of America, LabCorp).